The following is an entry in ClinVar:

ClinVar aggregate classification (germline): Likely benign (1 of 4 stars; one submission).

Conditions:
Hypertrophic cardiomyopathy. Also called: HYPERTROPHIC MYOCARDIOPATHY. Identifiers: Orphanet 217569, MedGen C0007194, MeSH D002312, MONDO:0005045, HP:0001639.

Submission:

All of Us Research Program, National Institutes of Health
Classification: Likely benign for Hypertrophic cardiomyopathy. Last evaluated: 2023-02-24. Review status: criteria provided, single submitter. Criteria: ACMG Guidelines, 2015. Collection method: clinical testing. Allele origin: germline. Inheritance: Autosomal dominant inheritance. Observed: 1 variant allele, 1 heterozygote.
Comment: This study involves interpretation of variants in research participants for the purpose of population health screening. Participant phenotype was not available at the time of variant classification. Additional details can be found in publication PMID: 35346344, PMCID: PMC8962531

NM_005159.5(ACTC1):c.455-7C>G

Genes: ACTC1 (actin alpha cardiac muscle 1; minus strand), GJD2-DT (GJD2 divergent transcript; plus strand). Cytogenetic location: 15q14.
Variant type: single nucleotide variant.
Coding change: c.455-7C>G on transcript NM_005159.5 (MANE Select); 7 bases into the intron before coding-DNA position 455, C replaced by G.
Molecular consequence: intron variant.
Genome position (GRCh38, 1-based): chr15:34,792,576, G>C on the plus strand (C>G on the coding strand, the complement: ACTC1 is on the minus strand). VCF-style: chr15-34792576-G-C. GRCh37 (hg19) VCF-style: chr15-35084777-G-C.
Other names: c.455-7C>G (NM_001406483.1, NM_001406482.1); c.14-7C>G (NM_001406485.1); c.320-7C>G (NM_001406484.1).
Identifiers: ClinVar variation 3069473 (VCV003069473.1), dbSNP rs768363857, ClinGen allele CA041972.